The following is an entry in ClinVar:

NM_000548.5(TSC2):c.4573C>A (p.Gln1525Lys)

Gene: TSC2 (TSC complex subunit 2; plus strand). Cytogenetic location: 16p13.3.
Variant type: single nucleotide variant.
Coding change: c.4573C>A on transcript NM_000548.5 (MANE Select); coding-DNA position 4573, C replaced by A.
Protein change: p.Gln1525Lys; replaces glutamine 1525 with lysine.
Molecular consequence: missense variant. On other transcripts: non-coding transcript variant (5).
Genome position (GRCh38, 1-based): chr16:2,085,233, C>A. VCF-style: chr16-2085233-C-A. GRCh37 (hg19) VCF-style: chr16-2135234-C-A.
Other names: c.4372C>A, p.Gln1458Lys (NM_001077183.3); c.4504C>A, p.Gln1502Lys (NM_001114382.3); c.4264C>A, p.Gln1422Lys (NM_001318827.2); c.4228C>A, p.Gln1410Lys (NM_001318829.2); c.3841C>A, p.Gln1281Lys (NM_001318831.2); c.4405C>A, p.Gln1469Lys (NM_001318832.2); c.4375C>A, p.Gln1459Lys (NM_001363528.2); c.4441C>A, p.Gln1481Lys (NM_001370404.1); and 26 more; short protein forms Q1010K, Q1011K, Q1302K, Q1439K, Q1481K, Q1502K, Q1525K, Q924K.
Identifiers: ClinVar variation 2449973 (VCV002449973.6), dbSNP rs45517352, ClinGen allele CA051854.

ClinVar aggregate classification (germline): Conflicting classifications of pathogenicity. Review status: criteria provided, conflicting classifications (1 of 4 stars). 4 submissions from 4 submitters: Uncertain significance (3); Benign (1). Last evaluated 2025-08-05.

Conditions:
Tuberous sclerosis 2 (TSC2). Identifiers: Orphanet 805, MedGen C1860707, MONDO:0013199, OMIM 613254.
Tuberous sclerosis syndrome (TSC). Also called: Tuberous Sclerosis Complex; Tuberous sclerosis. Identifiers: Orphanet 805, MedGen C0041341, MONDO:0001734.
Hereditary cancer-predisposing syndrome. Also called: Hereditary Cancer Syndrome; Neoplastic Syndromes, Hereditary; Tumor predisposition; Hereditary neoplastic syndrome. Identifiers: Orphanet 140162, MedGen C0027672, MeSH D009386, MONDO:0015356.

Allele frequency attached by ClinVar (database versions not stated): ExAC 0.00001; 1000 Genomes Project 30x 0.00016; 1000 Genomes Project 0.00020.

Submissions (4):

Color Diagnostics, LLC DBA Color Health
Classification: Uncertain significance for Tuberous sclerosis syndrome. Last evaluated: 2025-08-05. Review status: criteria provided, single submitter. Criteria: ACMG Guidelines, 2015. Collection method: clinical testing. Allele origin: germline.
Comment: This missense variant replaces glutamine with lysine at codon 1525 of the TSC2 protein. Computational prediction is inconclusive regarding the impact of this variant on protein structure and function. To our knowledge, functional studies have not been reported for this variant. This variant has not been reported in individuals affected with TSC2-related disorders in the literature. This variant has been identified in 1/249836 chromosomes in the general population by the Genome Aggregation Database (gnomAD). The available evidence is insufficient to determine the role of this variant in disease conclusively. Therefore, this variant is classified as a Variant of Uncertain Significance.

Blueprint Genetics
Classification: Uncertain significance. Last evaluated: 2024-10-25. Review status: criteria provided, single submitter. Criteria: ACMG Guidelines, 2015. Collection method: clinical testing. Allele origin: germline.

Labcorp Genetics (formerly Invitae), Labcorp
Classification: Benign for Tuberous sclerosis 2. Last evaluated: 2024-07-24. Review status: criteria provided, single submitter. Criteria: Invitae Variant Classification Sherloc (09022015). Collection method: clinical testing. Allele origin: germline.

Ambry Genetics
Classification: Uncertain significance for Hereditary cancer-predisposing syndrome. Last evaluated: 2022-12-23. Review status: criteria provided, single submitter. Criteria: Ambry Variant Classification Scheme 2023. Collection method: clinical testing. Allele origin: germline.
Comment: The p.Q1525K variant (also known as c.4573C>A), located in coding exon 35 of the TSC2 gene, results from a C to A substitution at nucleotide position 4573. The glutamine at codon 1525 is replaced by lysine, an amino acid with similar properties. This amino acid position is conserved. In addition, the in silico prediction for this alteration is inconclusive. Since supporting evidence is limited at this time, the clinical significance of this alteration remains unclear.